The following is an entry in ClinVar:

NM_005477.3(HCN4):c.3134C>T (p.Ala1045Val)

Gene: HCN4 (hyperpolarization activated cyclic nucleotide gated potassium channel 4; minus strand). Cytogenetic location: 15q24.1.
Variant type: single nucleotide variant.
Coding change: c.3134C>T on transcript NM_005477.3 (MANE Select); coding-DNA position 3134, C replaced by T.
Protein change: p.Ala1045Val; replaces alanine 1045 with valine.
Molecular consequence: missense variant.
Genome position (GRCh38, 1-based): chr15:73,322,959, G>A on the plus strand (C>T on the coding strand, the complement: HCN4 is on the minus strand). VCF-style: chr15-73322959-G-A. GRCh37 (hg19) VCF-style: chr15-73615300-G-A.
Other names: short protein forms A1045V.
Identifiers: ClinVar variation 643830 (VCV000643830.13), dbSNP rs980750316, ClinGen allele CA272663688.
Genomic context (GRCh38, chr15:73,322,959, plus strand): 5'-ACCTGGGGTGGTGGGGGGCTGGATGCAGGTGGCAGGAGCAAGGATCCGTGGGAGCCAGAG[G>A]CCCGGGGCGGGGCACTCGGGAAGGTTCTTGGGGGGCCTGGGCTGTGGCCAGGGGGGCTGA-3'
Protein context (NP_005468.1, residues 1035-1055): PRTFPSAPPR[Ala1045Val]SGSHGSLLLP

ClinVar aggregate classification (germline): Uncertain significance. Review status: criteria provided, multiple submitters, no conflicts (2 of 4 stars). 2 submissions from 2 submitters: Uncertain significance (2). Last evaluated 2026-01-25.

Conditions:
Cardiovascular phenotype. Identifiers: MedGen CN230736.
Brugada syndrome 8 (BRGDA8). Identifiers: Orphanet 130, MedGen C2751083, MONDO:0013148, OMIM 613123.

Allele frequency attached by ClinVar (database versions not stated): gnomAD exomes 0.00002; gnomAD 0.00005; TOPMed 0.00007.
gnomAD v4.1: 36 of 1,421,356 alleles (0.0025%); highest among the groups gnomAD compares: Middle Eastern, 0.02%; no homozygotes.

Submissions (2):

Labcorp Genetics (formerly Invitae), Labcorp
Classification: Uncertain significance for Brugada syndrome 8. Last evaluated: 2026-01-25. Review status: criteria provided, single submitter. Criteria: Invitae Variant Classification Sherloc (09022015). Collection method: clinical testing. Allele origin: germline.
Comment: This sequence change replaces alanine, which is neutral and non-polar, with valine, which is neutral and non-polar, at codon 1045 of the HCN4 protein (p.Ala1045Val). This variant is present in population databases (no rsID available, gnomAD 0.005%). This variant has not been reported in the literature in individuals affected with HCN4-related conditions. ClinVar contains an entry for this variant (Variation ID: 643830). Invitae Evidence Modeling of protein sequence and biophysical properties (such as structural, functional, and spatial information, amino acid conservation, physicochemical variation, residue mobility, and thermodynamic stability) indicates that this missense variant is not expected to disrupt HCN4 protein function with a negative predictive value of 95%. Experimental studies have shown that this missense change does not substantially affect HCN4 function (PMID: 24607718). In summary, the available evidence is currently insufficient to determine the role of this variant in disease. Therefore, it has been classified as a Variant of Uncertain Significance.

Ambry Genetics
Classification: Uncertain significance for Cardiovascular phenotype. Last evaluated: 2025-06-22. Review status: criteria provided, single submitter. Criteria: Ambry Variant Classification Scheme 2023. Collection method: clinical testing. Allele origin: germline.
Comment: The p.A1045V variant (also known as c.3134C>T), located in coding exon 8 of the HCN4 gene, results from a C to T substitution at nucleotide position 3134. The alanine at codon 1045 is replaced by valine, an amino acid with similar properties. This variant was reported in an individual from the Framingham Heart Study cohort; however clinical details were limited (Macri V et al. Heart Rhythm, 2014 Jun;11:1055-1062). Limited electrophysiology studies have not shown this variant to have a significant functional impact (Macri V et al. Heart Rhythm, 2014 Jun;11:1055-1062; Verkerk AO et al. Int J Mol Sci, 2015 Jan;16:3071-94). This amino acid position is well conserved in available vertebrate species. In addition, the in silico prediction for this alteration is inconclusive. Since supporting evidence is limited at this time, the clinical significance of this alteration remains unclear.

Literature cited by the submitters: PubMed 24607718 (cited by Labcorp Genetics (formerly Invitae), Labcorp and Ambry Genetics); PubMed 25642760 (cited by Ambry Genetics).